The following is an entry in ClinVar:

ClinVar aggregate classification (germline): Uncertain significance (1 of 4 stars; one submission).

Conditions:
Hereditary sensory and autonomic neuropathy type 6. Also called: HSAN VI; Neuropathy, hereditary sensory and autonomic, type VI. Identifiers: Orphanet 314381, MedGen C3539003, MONDO:0013839, OMIM 614653.
Epidermolysis bullosa simplex 3, localized or generalized intermediate, with BP230 deficiency (EBS3). Also called: Epidermolysis bullosa simplex, autosomal recessive 2; Epidermolysis bullosa simplex due to BP230 deficiency. Identifiers: Orphanet 412181, MedGen C3809470, MONDO:0014180, OMIM 615425.

Allele frequency attached by ClinVar (database versions not stated): gnomAD exomes below 0.00001; TOPMed below 0.00001; gnomAD 0.00001.
gnomAD v4.1: 2 of 1,613,610 alleles (0.00012%); highest among the groups gnomAD compares: Non-Finnish European, 0.00017%; no homozygotes.

Submission:

Labcorp Genetics (formerly Invitae), Labcorp
Classification: Uncertain significance for Epidermolysis bullosa simplex 3, localized or generalized intermediate, with BP230 deficiency; Hereditary sensory and autonomic neuropathy type 6. Last evaluated: 2024-08-19. Review status: criteria provided, single submitter. Criteria: Invitae Variant Classification Sherloc (09022015). Collection method: clinical testing. Allele origin: germline.
Comment: This sequence change replaces lysine, which is basic and polar, with arginine, which is basic and polar, at codon 648 of the DST protein (p.Lys648Arg). This variant is present in population databases (no rsID available, gnomAD 0.002%). This variant has not been reported in the literature in individuals affected with DST-related conditions. ClinVar contains an entry for this variant (Variation ID: 474511). An algorithm developed to predict the effect of missense changes on protein structure and function (PolyPhen-2) suggests that this variant is likely to be disruptive. In summary, the available evidence is currently insufficient to determine the role of this variant in disease. Therefore, it has been classified as a Variant of Uncertain Significance.

NM_001374736.1(DST):c.3554A>G (p.Lys1185Arg)

Gene: DST (dystonin; minus strand). Cytogenetic location: 6p12.1.
Variant type: single nucleotide variant.
Coding change: c.3554A>G on transcript NM_001374736.1 (MANE Select); coding-DNA position 3554, A replaced by G.
Protein change: p.Lys1185Arg; replaces lysine 1185 with arginine.
Molecular consequence: missense variant.
Genome position (GRCh38, 1-based): chr6:56,634,199, T>C on the plus strand (A>G on the coding strand, the complement: DST is on the minus strand). VCF-style: chr6-56634199-T-C. GRCh37 (hg19) VCF-style: chr6-56498997-T-C.
Other names: c.3455A>G, p.Lys1152Arg (NM_001144769.5); c.3041A>G, p.Lys1014Arg (NM_001144770.2); c.3554A>G, p.Lys1185Arg (NM_001374722.1); c.2921A>G, p.Lys974Arg (NM_001374729.1, NM_001374730.1, NM_001386100.1 and 1 more transcripts); c.3581A>G, p.Lys1194Arg (NM_001374734.1); c.1943A>G, p.Lys648Arg (NM_001723.7, NM_015548.5); short protein forms K648R, K974R, K1014R, K1152R, K1185R, K1194R.
Identifiers: ClinVar variation 474511 (VCV000474511.9), dbSNP rs1291404920, ClinGen allele CA364575667.